The following is an entry in ClinVar:

NC_000005.9:g.(?_88027526)_(88027738_?)del

Gene: MEF2C (myocyte enhancer factor 2C; minus strand). Cytogenetic location: 5q14.3.
Variant type: Deletion.
Identifiers: ClinVar variation 1072396 (VCV001072396.2).

ClinVar aggregate classification (germline): Pathogenic (1 of 4 stars; one submission).

Conditions:
Neurodevelopmental disorder with hypotonia, stereotypic hand movements, and impaired language. Also called: Intellectual disability, autosomal dominant 20. Identifiers: Orphanet 228384, Orphanet 664410, MedGen C3150700, MONDO:0013266, OMIM 613443.

Submission:

Labcorp Genetics (formerly Invitae), Labcorp
Classification: Pathogenic for Neurodevelopmental disorder with hypotonia, stereotypic hand movements, and impaired language. Last evaluated: 2020-05-20. Review status: criteria provided, single submitter. Criteria: Invitae Variant Classification Sherloc (09022015). Collection method: clinical testing. Allele origin: germline.
Comment: This variant is an out-of-frame deletion of the genomic region encompassing exon 7 of the MEF2C gene. This is expected to create a premature translational stop signal and result in an absent or disrupted protein product. This variant has not been reported in the literature in individuals with MEF2C-related conditions. Loss-of-function variants in MEF2C are known to be pathogenic (PMID: 20513142). For these reasons, this variant has been classified as Pathogenic.

Literature cited by the submitters: PubMed 20513142.